The following is an entry in ClinVar:

ClinVar aggregate classification (germline): Likely benign. Review status: criteria provided, multiple submitters, no conflicts (2 of 4 stars). 2 submissions from 2 submitters: Likely benign (2). Last evaluated 2025-07-31.

Conditions:
Multiple endocrine neoplasia, type 1 (MEN1). Also called: MEA I; MEN I; WERMER SYNDROME; Endocrine adenomatosis multiple; MEN 1. Identifiers: Orphanet 652, MedGen C0025267, MeSH D018761, MONDO:0007540, OMIM 131100.

Allele frequency attached by ClinVar (database versions not stated): gnomAD exomes below 0.00001; TOPMed 0.00001.
gnomAD v4.1: 1 of 1,612,298 alleles (0.000062%); highest among the groups gnomAD compares: African/African-American, 0.0013%; no homozygotes.

Submissions (2):

Labcorp Genetics (formerly Invitae), Labcorp
Classification: Likely benign for Multiple endocrine neoplasia, type 1. Last evaluated: 2025-07-31. Review status: criteria provided, single submitter. Criteria: Invitae Variant Classification Sherloc (09022015). Collection method: clinical testing. Allele origin: germline.

Myriad Genetics, Inc.
Classification: Likely benign for Multiple endocrine neoplasia, type 1. Last evaluated: 2024-11-05. Review status: criteria provided, single submitter. Criteria: Myriad Autosomal Dominant, Autosomal Recessive and X-Linked Classification Criteria (2023). Collection method: clinical testing. Allele origin: unknown.
Comment: This variant is considered likely benign. This variant is intronic and is not expected to impact mRNA splicing.

NM_001370259.2(MEN1):c.1186-16C>T

Gene: MEN1 (menin 1; minus strand). Cytogenetic location: 11q13.1.
Variant type: single nucleotide variant.
Coding change: c.1186-16C>T on transcript NM_001370259.2 (MANE Select); 16 bases into the intron before coding-DNA position 1186, C replaced by T.
Molecular consequence: intron variant.
Genome position (GRCh38, 1-based): chr11:64,805,214, G>A on the plus strand (C>T on the coding strand, the complement: MEN1 is on the minus strand). VCF-style: chr11-64805214-G-A. GRCh37 (hg19) VCF-style: chr11-64572686-G-A.
Other names: c.1201-16C>T (NM_130804.3, NM_130803.3, NM_000244.4 and 3 more transcripts); c.1186-16C>T (NM_130799.3, NM_001370260.2, NM_001370261.2); c.1312-16C>T (NM_001370251.2); c.1081-16C>T (NM_001370263.2, NM_001370262.2).
Identifiers: ClinVar variation 2163709 (VCV002163709.5), dbSNP rs1727236635, ClinGen allele CA1978886800.